The following is an entry in ClinVar:

NM_002906.4(RDX):c.*1375G>A

Gene: RDX (radixin; minus strand). Cytogenetic location: 11q22.3.
Variant type: single nucleotide variant.
Coding change: c.*1375G>A on transcript NM_002906.4 (MANE Select); 1375 bases downstream of the stop codon, G replaced by A.
Molecular consequence: 3 prime UTR variant. On other transcripts: intron variant (4).
Genome position (GRCh38, 1-based): chr11:110,230,494, C>T on the plus strand (G>A on the coding strand, the complement: RDX is on the minus strand). VCF-style: chr11-110230494-C-T. GRCh37 (hg19) VCF-style: chr11-110101219-C-T.
Other names: c.*1375G>A (NM_001260494.2); c.1748+1379G>A (NM_001260493.2, NM_001260492.2); c.707+1379G>A (NM_001260495.2); c.536+1379G>A (NM_001260496.2).
Identifiers: ClinVar variation 879611 (VCV000879611.4), dbSNP rs79924211, ClinGen allele CA15696021.

ClinVar aggregate classification (germline): Likely benign (1 of 4 stars; one submission).

Conditions:
Autosomal recessive nonsyndromic hearing loss 24. Identifiers: Orphanet 90636, MedGen C1970239, MONDO:0012602, OMIM 611022.

Allele frequency attached by ClinVar (database versions not stated): gnomAD 0.01628 and 0.01711; TOPMed 0.02235; 1000 Genomes Project 30x 0.03389; 1000 Genomes Project 0.03554.

Submission:

Illumina Laboratory Services, Illumina
Classification: Likely benign for Autosomal recessive nonsyndromic hearing loss 24. Last evaluated: 2018-01-13. Review status: criteria provided, single submitter. Criteria: ICSL Variant Classification Criteria 13 December 2019. Collection method: clinical testing. Allele origin: germline.
Comment: This variant was observed in the ICSL laboratory as part of a predisposition screen in an ostensibly healthy population. It had not been previously curated by ICSL or reported in the Human Gene Mutation Database (HGMD: prior to June 1st, 2018), and was therefore a candidate for classification through an automated scoring system. Utilizing variant allele frequency, disease prevalence and penetrance estimates, and inheritance mode, an automated score was calculated to assess if this variant is too frequent to cause the disease. Based on the score and internal cut-off values, a variant classified as likely benign is not then subjected to further curation. The score for this variant resulted in a classification of likely benign for this disease.